The following is an entry in ClinVar:

ClinVar aggregate classification (germline): Uncertain significance (1 of 4 stars; one submission).

Allele frequency attached by ClinVar (database versions not stated): gnomAD 0.00003 and 0.00004; TOPMed 0.00003.

Submission:

Labcorp Genetics (formerly Invitae), Labcorp
Classification: Uncertain significance. Last evaluated: 2025-10-09. Review status: criteria provided, single submitter. Criteria: Invitae Variant Classification Sherloc (09022015). Collection method: clinical testing. Allele origin: germline.
Comment: This sequence change replaces glycine, which is neutral and non-polar, with cysteine, which is neutral and slightly polar, at codon 1039 of the COL11A1 protein (p.Gly1039Cys). The frequency data for this variant in the population databases is considered unreliable, as metrics indicate poor data quality at this position in the gnomAD database. This variant has not been reported in the literature in individuals affected with COL11A1-related conditions. ClinVar contains an entry for this variant (Variation ID: 1394751). Experimental studies and prediction algorithms are not available or were not evaluated, and the functional significance of this variant is currently unknown. In summary, the available evidence is currently insufficient to determine the role of this variant in disease. Therefore, it has been classified as a Variant of Uncertain Significance.

NM_001854.4(COL11A1):c.3115G>T (p.Gly1039Cys)

Gene: COL11A1 (collagen type XI alpha 1 chain; minus strand). Cytogenetic location: 1p21.1.
Variant type: single nucleotide variant.
Coding change: c.3115G>T on transcript NM_001854.4 (MANE Select); coding-DNA position 3115, G replaced by T.
Protein change: p.Gly1039Cys; replaces glycine 1039 with cysteine.
Molecular consequence: missense variant. On other transcripts: non-coding transcript variant (1).
Genome position (GRCh38, 1-based): chr1:102,961,919, C>A on the plus strand (G>T on the coding strand, the complement: COL11A1 is on the minus strand). VCF-style: chr1-102961919-C-A. GRCh37 (hg19) VCF-style: chr1-103427475-C-A.
Other names: c.2998G>T, p.Gly1000Cys (NM_001190709.2); c.3151G>T, p.Gly1051Cys (NM_080629.3); c.2767G>T, p.Gly923Cys (NM_080630.4); short protein forms G1039C, G1051C, G923C, G1000C.
Identifiers: ClinVar variation 1394751 (VCV001394751.8), dbSNP rs764282256, ClinGen allele CA974138.